The following is an entry in ClinVar:

ClinVar aggregate classification (germline): Uncertain significance (1 of 4 stars; one submission).

Submission:

Women's Health and Genetics/Laboratory Corporation of America, LabCorp
Classification: Uncertain significance. Last evaluated: 2024-04-09. Review status: criteria provided, single submitter. Criteria: LabCorp Variant Classification Summary - May 2015. Collection method: clinical testing. Allele origin: germline.
Comment: Variant summary: NAGS c.1505G>C (p.Trp502Ser) results in a non-conservative amino acid change located in the GNAT domain (IPR000182) of the encoded protein sequence. Five of five in-silico tools predict a damaging effect of the variant on protein function. The variant was absent in 251494 control chromosomes. The available data on variant occurrences in the general population are insufficient to allow any conclusion about variant significance. To our knowledge, no occurrence of c.1505G>C in individuals affected with Hyperammonemia, type III and no experimental evidence demonstrating its impact on protein function have been reported. No submitters have cited clinical-significance assessments for this variant to ClinVar. Based on the evidence outlined above, the variant was classified as uncertain significance.

NM_153006.3(NAGS):c.1505G>C (p.Trp502Ser)

Gene: NAGS (N-acetylglutamate synthase; plus strand). Cytogenetic location: 17q21.31.
Variant type: single nucleotide variant.
Coding change: c.1505G>C on transcript NM_153006.3 (MANE Select); coding-DNA position 1505, G replaced by C.
Protein change: p.Trp502Ser; replaces tryptophan 502 with serine.
Molecular consequence: missense variant.
Genome position (GRCh38, 1-based): chr17:44,008,501, G>C. VCF-style: chr17-44008501-G-C. GRCh37 (hg19) VCF-style: chr17-42085869-G-C.
Other names: short protein forms W502S.
Identifiers: ClinVar variation 3251403 (VCV003251403.1), dbSNP rs2509285298.